The following is an entry in ClinVar:

ClinVar aggregate classification (germline): Uncertain significance. Review status: criteria provided, multiple submitters, no conflicts (2 of 4 stars). 2 submissions from 2 submitters: Uncertain significance (2). Last evaluated 2022-09-28.

Conditions:
Glycogen storage disease, type II (IOPD). Also called: Glucosidase acid-1,4-alpha deficiency; Pompe Disease; GLYCOGENOSIS, GENERALIZED, CARDIAC FORM; GSD II; POMPE DISEASE, INFANTILE-ONSET; GLYCOGEN STORAGE DISEASE II, INFANTILE-ONSET. Identifiers: Orphanet 365, MedGen C0017921, MONDO:0009290, OMIM 232300.

Allele frequency attached by ClinVar (database versions not stated): gnomAD 0.00001.

Submissions (2):

University of Washington Department of Laboratory Medicine, University of Washington
Classification: Uncertain significance for Glycogen storage disease, type II. Last evaluated: 2022-09-28. Review status: criteria provided, single submitter. Criteria: ACMG Guidelines, 2015. Collection method: clinical testing. Allele origin: maternal. Affected: yes.
Comment: The p.Gln100Lys variant in the GAA gene has not been previously reported in association with disease. This variant has been submitted to ClinVar (Variation ID: 1444789) and has been identified in 1/248402 chromosomes by the Genome Aggregation Database. Although this variant has been seen in the general population, its frequency is low enough to be consistent with a recessive carrier frequency. In silico tools predict that the p.Gln100Lys variant does not impact protein function; however, these predictions have not been tested directly. Using ACMG guidelines, this variant was classified as a variant of uncertain significance (ACMG evidence codes used: PM2_supporting, BP4).

Labcorp Genetics (formerly Invitae), Labcorp
Classification: Uncertain significance for Glycogen storage disease, type II. Last evaluated: 2021-09-24. Review status: criteria provided, single submitter. Criteria: Invitae Variant Classification Sherloc (09022015). Collection method: clinical testing. Allele origin: germline.
Comment: This sequence change replaces glutamine with lysine at codon 100 of the GAA protein (p.Gln100Lys). The glutamine residue is moderately conserved and there is a small physicochemical difference between glutamine and lysine. This variant is not present in population databases (ExAC no frequency). This variant has not been reported in the literature in individuals with GAA-related conditions. Algorithms developed to predict the effect of missense changes on protein structure and function (SIFT, PolyPhen-2, Align-GVGD) all suggest that this variant is likely to be tolerated, but these predictions have not been confirmed by published functional studies and their clinical significance is uncertain. In summary, the available evidence is currently insufficient to determine the role of this variant in disease. Therefore, it has been classified as a Variant of Uncertain Significance.

NM_000152.5(GAA):c.298C>A (p.Gln100Lys)

Gene: GAA (alpha glucosidase; plus strand). Cytogenetic location: 17q25.3.
Variant type: single nucleotide variant.
Coding change: c.298C>A on transcript NM_000152.5 (MANE Select); coding-DNA position 298, C replaced by A.
Protein change: p.Gln100Lys; replaces glutamine 100 with lysine.
Molecular consequence: missense variant.
Genome position (GRCh38, 1-based): chr17:80,104,884, C>A. VCF-style: chr17-80104884-C-A. GRCh37 (hg19) VCF-style: chr17-78078683-C-A.
Other names: c.298C>A, p.Gln100Lys (NM_001079803.3, NM_001079804.3); c.298C>A (NM_000152.4); short protein forms Q100K.
Identifiers: ClinVar variation 1444789 (VCV001444789.6), dbSNP rs780027584, ClinGen allele CA401360641.
Genomic context (GRCh38, chr17:80,104,884, plus strand): 5'-ACACAGTGCGACGTCCCCCCCAACAGCCGCTTCGATTGCGCCCCTGACAAGGCCATCACC[C>A]AGGAACAGTGCGAGGCCCGCGGCTGTTGCTACATCCCTGCAAAGCAGGGGCTGCAGGGAG-3'
Protein context (NP_000143.2, residues 90-110): FDCAPDKAIT[Gln100Lys]EQCEARGCCY